The following is an entry in ClinVar:

NM_024529.5(CDC73):c.*2304T>G

Gene: CDC73 (cell division cycle 73; plus strand). Cytogenetic location: 1q31.2.
Variant type: single nucleotide variant.
Coding change: c.*2304T>G on transcript NM_024529.5 (MANE Select); 2304 bases downstream of the stop codon, T replaced by G.
Molecular consequence: 3 prime UTR variant.
Genome position (GRCh38, 1-based): chr1:193,253,016, T>G. VCF-style: chr1-193253016-T-G. GRCh37 (hg19) VCF-style: chr1-193222146-T-G.
Identifiers: ClinVar variation 294447 (VCV000294447.5), dbSNP rs144363422, ClinGen allele CA10608644.

ClinVar aggregate classification (germline): Benign/Likely benign. Review status: criteria provided, single submitter (1 of 4 stars). 3 submissions from 1 submitter: Benign (2); Likely benign (1). Last evaluated 2018-01-12.

Conditions:
Hyperparathyroidism 1 (HRPT1). Also called: HYPERPARATHYROIDISM, FAMILIAL ISOLATED PRIMARY. Identifiers: Orphanet 99879, MedGen C1840402, MONDO:0007767, OMIM 145000.
Hyperparathyroidism 2 with jaw tumors. Also called: Hyperparathyroidism 2; HYPERPARATHYROIDISM, FAMILIAL PRIMARY, WITH MULTIPLE OSSIFYING JAW FIBROMAS; HYPERPARATHYROIDISM-JAW TUMOR SYNDROME, HEREDITARY; Hyperparathyroidism-Jaw Tumor Syndrome. Identifiers: Orphanet 99880, MedGen C1704981, MONDO:0007768, OMIM 145001.
Parathyroid carcinoma (PRTC). Also called: Parathyroid gland carcinoma; CDC73-Related Parathyroid Carcinoma. Identifiers: Orphanet 143, MedGen C0687150, MONDO:0012004, OMIM 608266, HP:0006780.

Allele frequency attached by ClinVar (database versions not stated): gnomAD 0.00424 and 0.00520; TOPMed 0.00439; gnomAD exomes 0.00635; 1000 Genomes Project 30x 0.00687; 1000 Genomes Project 0.00819.
gnomAD v4.1: 1,305 of 232,042 alleles (0.56%); highest among the groups gnomAD compares: South Asian, 2.9%; 7 homozygotes.

Submissions (3):

Illumina Laboratory Services, Illumina
Classification: Benign for Hyperparathyroidism 2 with jaw tumors. Last evaluated: 2018-01-12. Review status: criteria provided, single submitter. Criteria: ICSL Variant Classification Criteria 13 December 2019. Collection method: clinical testing. Allele origin: germline.
Comment: This variant was observed in the ICSL laboratory as part of a predisposition screen in an ostensibly healthy population. It had not been previously curated by ICSL or reported in the Human Gene Mutation Database (HGMD: prior to June 1st, 2018), and was therefore a candidate for classification through an automated scoring system. Utilizing variant allele frequency, disease prevalence and penetrance estimates, and inheritance mode, an automated score was calculated to assess if this variant is too frequent to cause the disease. Based on the score and internal cut-off values, a variant classified as benign is not then subjected to further curation. The score for this variant resulted in a classification of benign for this disease.

Illumina Laboratory Services, Illumina
Classification: Likely benign for Hyperparathyroidism 1. Last evaluated: 2018-01-12. Review status: criteria provided, single submitter. Criteria: ICSL Variant Classification Criteria 13 December 2019. Collection method: clinical testing. Allele origin: germline.
Comment: This variant was observed in the ICSL laboratory as part of a predisposition screen in an ostensibly healthy population. It had not been previously curated by ICSL or reported in the Human Gene Mutation Database (HGMD: prior to June 1st, 2018), and was therefore a candidate for classification through an automated scoring system. Utilizing variant allele frequency, disease prevalence and penetrance estimates, and inheritance mode, an automated score was calculated to assess if this variant is too frequent to cause the disease. Based on the score and internal cut-off values, a variant classified as likely benign is not then subjected to further curation. The score for this variant resulted in a classification of likely benign for this disease.

Illumina Laboratory Services, Illumina
Classification: Benign for Parathyroid carcinoma. Last evaluated: 2018-01-12. Review status: criteria provided, single submitter. Criteria: ICSL Variant Classification Criteria 13 December 2019. Collection method: clinical testing. Allele origin: germline.
Comment: the same text as in the submission from Illumina Laboratory Services, Illumina above.